The following is an entry in ClinVar:

ClinVar aggregate classification (germline): Uncertain significance (1 of 4 stars; one submission).

Conditions:
Hereditary sensory and autonomic neuropathy type 6. Also called: HSAN VI; Neuropathy, hereditary sensory and autonomic, type VI. Identifiers: Orphanet 314381, MedGen C3539003, MONDO:0013839, OMIM 614653.
Epidermolysis bullosa simplex 3, localized or generalized intermediate, with BP230 deficiency (EBS3). Also called: Epidermolysis bullosa simplex, autosomal recessive 2; Epidermolysis bullosa simplex due to BP230 deficiency. Identifiers: Orphanet 412181, MedGen C3809470, MONDO:0014180, OMIM 615425.

Allele frequency attached by ClinVar (database versions not stated): gnomAD exomes below 0.00001; TOPMed below 0.00001.
gnomAD v4.1: 4 of 1,607,950 alleles (0.00025%); highest among the groups gnomAD compares: African/African-American, 0.0013%; no homozygotes.

Submission:

Labcorp Genetics (formerly Invitae), Labcorp
Classification: Uncertain significance for Epidermolysis bullosa simplex 3, localized or generalized intermediate, with BP230 deficiency; Hereditary sensory and autonomic neuropathy type 6. Last evaluated: 2020-03-12. Review status: criteria provided, single submitter. Criteria: Invitae Variant Classification Sherloc (09022015). Collection method: clinical testing. Allele origin: germline.
Comment: In summary, the available evidence is currently insufficient to determine the role of this variant in disease. Therefore, it has been classified as a Variant of Uncertain Significance. Algorithms developed to predict the effect of sequence changes on RNA splicing suggest that this variant is not likely to affect RNA splicing, but this prediction has not been confirmed by published transcriptional studies. This variant has not been reported in the literature in individuals with DST-related conditions. This variant is not present in population databases (ExAC no frequency). This sequence change affects codon 1789 of the DST mRNA. It is a 'silent' change, meaning that it does not change the encoded amino acid sequence of the DST protein. This variant also falls at the last nucleotide of exon 32 of the DST coding sequence, which is part of the consensus splice site for this exon. The DST gene has multiple clinically relevant transcripts. This variant occurs in alternate transcript NM_015548.4, and corresponds to NM_001723.5:c.*41838T>A in the primary transcript.

NM_001374736.1(DST):c.13236T>A (p.Ile4412=)

Gene: DST (dystonin; minus strand). Cytogenetic location: 6p12.1.
Variant type: single nucleotide variant.
Coding change: c.13236T>A on transcript NM_001374736.1 (MANE Select); coding-DNA position 13236, T replaced by A.
Protein change: p.Ile4412=; no amino-acid change (isoleucine 4412 retained).
Molecular consequence: synonymous variant.
Genome position (GRCh38, 1-based): chr6:56,573,679, A>T on the plus strand (T>A on the coding strand, the complement: DST is on the minus strand). VCF-style: chr6-56573679-A-T. GRCh37 (hg19) VCF-style: chr6-56438477-A-T.
Other names: c.6879T>A, p.Ile2293= (NM_001144769.5); c.6465T>A, p.Ile2155= (NM_001144770.2); c.13236T>A, p.Ile4412= (NM_001374722.1); c.12603T>A, p.Ile4201= (NM_001374729.1); c.6345T>A, p.Ile2115= (NM_001374730.1, NM_001386100.1, NM_183380.4); c.13263T>A, p.Ile4421= (NM_001374734.1); c.5367T>A, p.Ile1789= (NM_015548.5).
Identifiers: ClinVar variation 1014491 (VCV001014491.5), dbSNP rs773931543, ClinGen allele CA450489494.